The following is an entry in ClinVar:

NM_020812.4(DOCK6):c.4018C>T (p.Arg1340Cys)

Genes: DOCK6 (dedicator of cytokinesis 6; minus strand), DOCK6-AS1 (DOCK6 antisense RNA 1; plus strand). Cytogenetic location: 19p13.2.
Variant type: single nucleotide variant.
Coding change: c.4018C>T on transcript NM_020812.4 (MANE Select); coding-DNA position 4018, C replaced by T.
Protein change: p.Arg1340Cys; replaces arginine 1340 with cysteine.
Molecular consequence: missense variant.
Genome position (GRCh38, 1-based): chr19:11,215,804, G>A on the plus strand (C>T on the coding strand, the complement: DOCK6 is on the minus strand). VCF-style: chr19-11215804-G-A. GRCh37 (hg19) VCF-style: chr19-11326480-G-A.
Other names: c.4123C>T, p.Arg1375Cys (NM_001367830.1); short protein forms R1340C, R1375C.
Identifiers: ClinVar variation 1949395 (VCV001949395.5), dbSNP rs746343905, ClinGen allele CA9207043.

ClinVar aggregate classification (germline): Conflicting classifications of pathogenicity. Review status: criteria provided, conflicting classifications (1 of 4 stars). 2 submissions from 2 submitters: Uncertain significance (1); Likely benign (1). Last evaluated 2025-11-10.

Allele frequency attached by ClinVar (database versions not stated): gnomAD exomes 0.00001; ExAC 0.00002; gnomAD 0.00002; TOPMed 0.00003.
gnomAD v4.1: 20 of 1,613,816 alleles (0.0012%); highest among the groups gnomAD compares: African/African-American, 0.0027%; no homozygotes.

Submissions (2):

Labcorp Genetics (formerly Invitae), Labcorp
Classification: Uncertain significance. Last evaluated: 2025-11-10. Review status: criteria provided, single submitter. Criteria: Invitae Variant Classification Sherloc (09022015). Collection method: clinical testing. Allele origin: germline.
Comment: This sequence change replaces arginine, which is basic and polar, with cysteine, which is neutral and slightly polar, at codon 1340 of the DOCK6 protein (p.Arg1340Cys). This variant is present in population databases (rs746343905, gnomAD 0.01%). This variant has not been reported in the literature in individuals affected with DOCK6-related conditions. ClinVar contains an entry for this variant (Variation ID: 1949395). Invitae Evidence Modeling of protein sequence and biophysical properties (such as structural, functional, and spatial information, amino acid conservation, physicochemical variation, residue mobility, and thermodynamic stability) has been performed for this missense variant. However, the output from this modeling did not meet the statistical confidence thresholds required to predict the impact of this variant on DOCK6 protein function. In summary, the available evidence is currently insufficient to determine the role of this variant in disease. Therefore, it has been classified as a Variant of Uncertain Significance.

Blueprint Genetics
Classification: Likely benign. Last evaluated: 2024-10-03. Review status: criteria provided, single submitter. Criteria: ACMG Guidelines, 2015. Collection method: clinical testing. Allele origin: germline.